The following is an entry in ClinVar:

NM_025009.5(CEP135):c.445A>G (p.Asn149Asp)

Gene: CEP135 (centrosomal protein 135; plus strand). Cytogenetic location: 4q12.
Variant type: single nucleotide variant.
Coding change: c.445A>G on transcript NM_025009.5 (MANE Select); coding-DNA position 445, A replaced by G.
Protein change: p.Asn149Asp; replaces asparagine 149 with aspartic acid.
Molecular consequence: missense variant.
Genome position (GRCh38, 1-based): chr4:55,954,356, A>G. VCF-style: chr4-55954356-A-G. GRCh37 (hg19) VCF-style: chr4-56820522-A-G.
Other names: short protein forms N149D.
Identifiers: ClinVar variation 1385841 (VCV001385841.6), dbSNP rs1446749510, ClinGen allele CA356968280.
Genomic context (GRCh38, chr4:55,954,356, plus strand): 5'-AAACTGTTGGAGAAAGAGAGCAAAGCTAAGAATGAAAGAATTCAACAACTTCAAGAAAAG[A>G]ATTTGCATGCTGTAGTACAAACTCCAGGTAAATCGATTCCTTCTCGAGACAAATTATACA-3'
Protein context (NP_079285.2, residues 139-159): NERIQQLQEK[Asn149Asp]LHAVVQTPGG

ClinVar aggregate classification (germline): Uncertain significance (1 of 4 stars; one submission).

Allele frequency attached by ClinVar (database versions not stated): gnomAD exomes below 0.00001 and 0.00001; TOPMed below 0.00001; gnomAD 0.00001.
gnomAD v4.1: 18 of 1,605,718 alleles (0.0011%); highest among the groups gnomAD compares: Non-Finnish European, 0.0014%; no homozygotes.

Submission:

Labcorp Genetics (formerly Invitae), Labcorp
Classification: Uncertain significance. Last evaluated: 2021-10-10. Review status: criteria provided, single submitter. Criteria: Invitae Variant Classification Sherloc (09022015). Collection method: clinical testing. Allele origin: germline.
Comment: In summary, the available evidence is currently insufficient to determine the role of this variant in disease. Therefore, it has been classified as a Variant of Uncertain Significance. Algorithms developed to predict the effect of missense changes on protein structure and function are either unavailable or do not agree on the potential impact of this missense change (SIFT: "Tolerated"; PolyPhen-2: "Probably Damaging"; Align-GVGD: "Class C0"). This variant has not been reported in the literature in individuals affected with CEP135-related conditions. This variant is not present in population databases (ExAC no frequency). This sequence change replaces asparagine with aspartic acid at codon 149 of the CEP135 protein (p.Asn149Asp). The asparagine residue is moderately conserved and there is a small physicochemical difference between asparagine and aspartic acid.